The following is an entry in ClinVar:

NM_007294.4(BRCA1):c.5470A>T (p.Ile1824Phe)

Gene: BRCA1 (BRCA1 DNA repair associated; minus strand). Cytogenetic location: 17q21.31.
Variant type: single nucleotide variant.
Coding change: c.5470A>T on transcript NM_007294.4 (MANE Select); coding-DNA position 5470, A replaced by T.
Protein change: p.Ile1824Phe; replaces isoleucine 1824 with phenylalanine.
Molecular consequence: missense variant. On other transcripts: non-coding transcript variant (1).
Genome position (GRCh38, 1-based): chr17:43,045,800, T>A on the plus strand (A>T on the coding strand, the complement: BRCA1 is on the minus strand). VCF-style: chr17-43045800-T-A. GRCh37 (hg19) VCF-style: chr17-41197817-T-A.
Other names: c.2017A>T, p.Ile673Phe (NM_001408462.1, NM_001408463.1, NM_001408464.1 and 7 more transcripts); c.2014A>T, p.Ile672Phe (NM_001408468.1, NM_001408469.1, NM_001408470.1); c.2084A>T, p.Asn695Ile (NM_001408472.1, NM_007299.4); c.5461A>T, p.Ile1821Phe (NM_001407644.1, NM_001407645.1); c.5458A>T, p.Ile1820Phe (NM_001407646.1); c.5455A>T, p.Ile1819Phe (NM_001407647.1); c.5413A>T, p.Ile1805Phe (NM_001407648.1); c.5410A>T, p.Ile1804Phe (NM_001407649.1); and 83 more; short protein forms I720F, I1777F, I1824F, I1845F, N695I, I1655F, I1670F, I1695F.
Identifiers: ClinVar variation 867576 (VCV000867576.3), dbSNP rs587782026, ClinGen allele CA10590399.

Conditions:
Breast-ovarian cancer, familial, susceptibility to, 1 (BROVCA1). Also called: BRCA1 Hereditary Breast and Ovarian Cancer; OVARIAN CANCER, SUSCEPTIBILITY TO. Identifiers: Orphanet 145, MedGen C2676676, MONDO:0011450, OMIM 604370. Disease mechanism: loss of function.

Submission:

Brotman Baty Institute, University of Washington
No classification provided (evidence only). Condition: Breast-ovarian cancer, familial 1. Review status: no classification provided. Collection method: in vitro. Allele origin: not applicable. Functional consequence: functionally_normal.
ClinVar note: "not provided" was previously submitted as the classification for the variant. However, the classification appeared to be based only on an observation of functional data so it was converted to no classification on 2025-07-30.